The following is an entry in ClinVar:

NM_001042413.2(GLIS3):c.2249C>G (p.Pro750Arg)

Gene: GLIS3 (GLIS family zinc finger 3; minus strand). Cytogenetic location: 9p24.2.
Variant type: single nucleotide variant.
Coding change: c.2249C>G on transcript NM_001042413.2 (MANE Select); coding-DNA position 2249, C replaced by G.
Protein change: p.Pro750Arg; replaces proline 750 with arginine.
Molecular consequence: missense variant.
Genome position (GRCh38, 1-based): chr9:3,879,475, G>C on the plus strand (C>G on the coding strand, the complement: GLIS3 is on the minus strand). VCF-style: chr9-3879475-G-C. GRCh37 (hg19) VCF-style: chr9-3879475-G-C.
Other names: c.1784C>G, p.Pro595Arg (NM_152629.4); short protein forms P595R, P750R.
Identifiers: ClinVar variation 2229857 (VCV002229857.3), dbSNP rs766185292, ClinGen allele CA4967870.

ClinVar aggregate classification (germline): Uncertain significance. Review status: criteria provided, multiple submitters, no conflicts (2 of 4 stars). 2 submissions from 2 submitters: Uncertain significance (2). Last evaluated 2025-06-09.

Conditions:
Inborn genetic diseases. Identifiers: MedGen C0950123, MeSH D030342.

Allele frequency attached by ClinVar (database versions not stated): gnomAD 0.00001; TOPMed 0.00001; ExAC 0.00003.
gnomAD v4.1: 27 of 1,614,036 alleles (0.0017%); highest among the groups gnomAD compares: South Asian, 0.0022%; no homozygotes.

Submissions (2):

Labcorp Genetics (formerly Invitae), Labcorp
Classification: Uncertain significance. Last evaluated: 2025-06-09. Review status: criteria provided, single submitter. Criteria: Invitae Variant Classification Sherloc (09022015). Collection method: clinical testing. Allele origin: germline.
Comment: This sequence change replaces proline, which is neutral and non-polar, with arginine, which is basic and polar, at codon 595 of the GLIS3 protein (p.Pro595Arg). This variant is present in population databases (rs766185292, gnomAD 0.003%). This variant has not been reported in the literature in individuals affected with GLIS3-related conditions. ClinVar contains an entry for this variant (Variation ID: 2229857). An algorithm developed to predict the effect of missense changes on protein structure and function (PolyPhen-2) suggests that this variant is likely to be disruptive. In summary, the available evidence is currently insufficient to determine the role of this variant in disease. Therefore, it has been classified as a Variant of Uncertain Significance.

Ambry Genetics
Classification: Uncertain significance for Inborn genetic diseases. Last evaluated: 2021-06-11. Review status: criteria provided, single submitter. Criteria: Ambry Variant Classification Scheme 2023. Collection method: clinical testing. Allele origin: germline.